The following is an entry in ClinVar:

NM_000138.5(FBN1):c.3344A>G (p.Asp1115Gly)

Gene: FBN1 (fibrillin 1; minus strand). Cytogenetic location: 15q21.1.
Variant type: single nucleotide variant.
Coding change: c.3344A>G on transcript NM_000138.5 (MANE Select); coding-DNA position 3344, A replaced by G.
Protein change: p.Asp1115Gly; replaces aspartic acid 1115 with glycine.
Molecular consequence: missense variant.
Genome position (GRCh38, 1-based): chr15:48,487,431, T>C on the plus strand (A>G on the coding strand, the complement: FBN1 is on the minus strand). VCF-style: chr15-48487431-T-C. GRCh37 (hg19) VCF-style: chr15-48779628-T-C.
Other names: p.D1115G:GAT>GGT; short protein forms D1115G.
Identifiers: ClinVar variation 200015 (VCV000200015.21), dbSNP rs794728203, ClinGen allele CA013984.

ClinVar aggregate classification (germline): Pathogenic/Likely pathogenic. Review status: criteria provided, multiple submitters, no conflicts (2 of 4 stars). 7 submissions from 7 submitters: Pathogenic (2); Likely pathogenic (5). Last evaluated 2025-07-15.

Conditions:
Familial thoracic aortic aneurysm and aortic dissection (TAAD). Also called: Thoracic aortic aneurysms and dissections. Identifiers: Orphanet 91387, MedGen C4707243, MONDO:0019625.
Marfan syndrome (MFS). Also called: Marfan syndrome, classic; Marfan syndrome type 1; Marfan's syndrome; MARFAN SYNDROME, TYPE I; FBN1-Related Marfan Syndrome. Identifiers: Orphanet 284963, Orphanet 558, MedGen C0024796, MONDO:0007947, OMIM 154700.
Thoracic aortic aneurysm or dissection.
FBN1-related disorder. Also called: FBN1-related disorders.

Submissions (7):

ARUP Laboratories, Molecular Genetics and Genomics, ARUP Laboratories
Classification: Likely pathogenic. Last evaluated: 2025-07-15. Review status: criteria provided, single submitter. Criteria: ARUP Molecular Germline Variant Investigation Process 2024. Collection method: clinical testing. Allele origin: germline.
Comment: The FBN1 c.3344A>G; p.Asp1115Gly variant (rs794728203, ClinVar Variation ID 200015) is reported in the literature in patients affected with Marfan syndrome and ectopia lentis (Chandra 2012, Tiecke 2001, Faivre 2009). This variant is absent from the Genome Aggregation Database (v2.1.1), indicating it is not a common polymorphism. Computational analyses predict that this variant is deleterious (REVEL: 0.882). In vitro functional analyses demonstrate this variant results in cellular FBN1 protein retention (Whiteman 2007). Based on available information, this variant is considered to be likely pathogenic. References: Chandra et al. A genotype-phenotype comparison of ADAMTSL4 and FBN1 in isolated ectopia lentis. Invest Ophthalmol Vis Sci. 2012 Jul 24;53(8):4889-96. PMID: 22736615. Faivre et al. Clinical and mutation-type analysis from an international series of 198 probands with a pathogenic FBN1 exons 24-32 mutation. Eur J Hum Genet. 2009 Apr;17(4):491-501. PMID: 19002209. Rowlands et al. Comparison of in silico strategies to prioritize rare genomic variants impacting RNA splicing for the diagnosis of genomic disorders. Sci Rep. 2021 Oct 18;11(1):20607. PMID: 34663891 Tiecke et al. Classic, atypically severe and neonatal Marfan syndrome: twelve mutations and genotype-phenotype correlations in FBN1 exons 24-40. Eur J Hum Genet. 2001 Jan;9(1):13-21. PMID: 11175294. Wai et al; Splicing and disease working group. Blood RNA analysis can increase clinical diagnostic rate and resolve variants of uncertain significance. Genet Med. 2020 Jun;22(6):1005-1014. PMID: 32123317; Whiteman et al. Cellular and molecular studies of Marfan syndrome mutations identify co-operative protein folding in the cbEGF12-13 region of fibrillin-1. Hum Mol Genet. 2007 Apr 15;16(8):907-18.PMID: 17324963.

Blueprint Genetics
Classification: Likely pathogenic for FBN1-related disorders. Last evaluated: 2024-10-11. Review status: criteria provided, single submitter. Criteria: ACMG Guidelines, 2015. Collection method: clinical testing. Allele origin: germline. Affected: yes. Observed: 1 variant allele.

North West Genomic Laboratory Hub, Manchester University NHS Foundation Trust
Classification: Likely pathogenic for Thoracic aortic aneurysm or dissection. Last evaluated: 2024-07-24. Review status: criteria provided, single submitter. Criteria: ACGS Best Practice Guidelines for Variant Classification in Rare Disease 2020. Collection method: clinical testing. Allele origin: germline. Affected: yes.
Comment: PS3_Supp PM2_Supp PP3_Supp PM1_Mod PS4_Mod PP2_Supp PM6_Supp

CHEO Genetics Diagnostic Laboratory, Children's Hospital of Eastern Ontario
Classification: Likely pathogenic for Familial thoracic aortic aneurysm and aortic dissection. Last evaluated: 2021-10-19. Review status: criteria provided, single submitter. Criteria: ACMG Guidelines, 2015. Collection method: clinical testing. Allele origin: germline.

Labcorp Genetics (formerly Invitae), Labcorp
Classification: Pathogenic for Marfan syndrome; Familial thoracic aortic aneurysm and aortic dissection. Last evaluated: 2020-11-06. Review status: criteria provided, single submitter. Criteria: Invitae Variant Classification Sherloc (09022015). Collection method: clinical testing. Allele origin: germline.
Comment: For these reasons, this variant has been classified as Pathogenic. Algorithms developed to predict the effect of sequence changes on RNA splicing suggest that this variant may create or strengthen a splice site, but this prediction has not been confirmed by published transcriptional studies. This variant has been reported to affect FBN1 protein function (PMID: 17324963). This variant has been observed in individuals affected with clinical features of Marfan syndrome (PMID: 11175294, 22736615, Invitae). In at least one individual the variant was observed to be de novo. ClinVar contains an entry for this variant (Variation ID: 200015). This variant is not present in population databases (ExAC no frequency). This sequence change replaces aspartic acid with glycine at codon 1115 of the FBN1 protein (p.Asp1115Gly). The aspartic acid residue is highly conserved and there is a moderate physicochemical difference between aspartic acid and glycine.

GeneDx
Classification: Pathogenic. Last evaluated: 2017-06-09. Review status: criteria provided, single submitter. Criteria: GeneDx Variant Classification (06012015). Collection method: clinical testing. Allele origin: germline. Affected: yes.
Comment: The D1115G variant in the FBN1 gene has been reported in association with Marfan syndrome (Tiecke F et al., 2001; Chandra A et al., 2012). The D1115G variant is a non-conservative amino acid substitution because these residues differ in polarity, charge, size and/or other properties and therefore is more likely to impact secondary structure. The D1115 residue is conserved across species. D1115G is located in the calcium-binding EGF-like domain of the FBN1 gene where other variants in nearby residues (C111Y, D1113G, D1113V, C1117G, C1117Y) have been reported in association with Marfan syndrome, further supporting the functional importance of this region of the protein. Furthermore, the D1115G variants was not observed in approximately 6,500 individuals of European and African American ancestry in the NHLBI Exome Sequencing Project, indicating it is not a common benign variant in these populations. In summary, D1115G in the FBN1 gene is interpreted as a disease-causing variant

Ambry Genetics
Classification: Likely pathogenic for Familial thoracic aortic aneurysm and aortic dissection. Last evaluated: 2015-03-27. Review status: criteria provided, single submitter. Criteria: Ambry Variant Classification Scheme 2023. Collection method: clinical testing. Allele origin: germline.
Comment: The p.D1115G variant (also known as c.3344A>G), located in coding exon 27 of the FBN1 gene in the cb EGF-like #13 domain, results from an A to G substitution at nucleotide position 3344. The aspartic acid at codon 1115 is replaced by glycine, an amino acid with some similar properties. This variant was first identified in an individual with classic Marfan syndrome (Tiecke F et al. Eur J Hum Genet. 2001;9(1):13-21). In addition, functional in vitro studies showed this alteration resulted in retention of the protein in the endoplasmic reticulum due to defects in protein folding caused by decreased calcium binding (Whiteman P et al. Hum Mol Genet. 2007;16(8):907-18). This variant was not reported in population based cohorts in the following databases: Database of Single Nucleotide Polymorphisms (dbSNP), NHLBI Exome Sequencing Project (ESP), and 1000 Genomes Project. In the ESP, this variant was not observed in 6494 samples (12988 alleles) with coverage at this position. This amino acid position is highly conserved in available vertebrate species. In addition, this alteration is predicted to be benign by PolyPhen but deleterious by SIFT in silico analyses. Based on the majority of available evidence to date, this variant is likely to be pathogenic.

Literature cited by the submitters: PubMed 17324963 (cited by Labcorp Genetics (formerly Invitae), Labcorp and Ambry Genetics); PubMed 11175294 (cited by Labcorp Genetics (formerly Invitae), Labcorp and Ambry Genetics); PubMed 22736615 (cited by Labcorp Genetics (formerly Invitae), Labcorp).